The following is an entry in ClinVar:

NM_014956.5(CEP164):c.1409+3A>T

Gene: CEP164 (centrosomal protein 164; plus strand). Cytogenetic location: 11q23.3.
Variant type: single nucleotide variant.
Coding change: c.1409+3A>T on transcript NM_014956.5 (MANE Select); 3 bases into the intron after coding-DNA position 1409, A replaced by T.
Molecular consequence: intron variant. On other transcripts: missense variant (1).
Genome position (GRCh38, 1-based): chr11:117,380,708, A>T. VCF-style: chr11-117380708-A-T. GRCh37 (hg19) VCF-style: chr11-117251424-A-T.
Other names: c.1412A>T, p.Tyr471Phe (NM_001271933.2); short protein forms Y471F.
Identifiers: ClinVar variation 2172849 (VCV002172849.4), dbSNP rs1445194359, ClinGen allele CA672273044.

ClinVar aggregate classification (germline): Uncertain significance (1 of 4 stars; one submission).

Conditions:
Nephronophthisis 15 (NPHP15). Identifiers: Orphanet 3156, MedGen C3541853, MONDO:0013917, OMIM 614845.

Allele frequency attached by ClinVar (database versions not stated): TOPMed below 0.00001; gnomAD 0.00001.
gnomAD v4.1: 1 of 1,598,976 alleles (0.000063%); highest among the groups gnomAD compares: Non-Finnish European, 0.000085%; no homozygotes.

Submission:

Labcorp Genetics (formerly Invitae), Labcorp
Classification: Uncertain significance for Nephronophthisis 15. Last evaluated: 2021-12-14. Review status: criteria provided, single submitter. Criteria: Invitae Variant Classification Sherloc (09022015). Collection method: clinical testing. Allele origin: germline.
Comment: In summary, the available evidence is currently insufficient to determine the role of this variant in disease. Therefore, it has been classified as a Variant of Uncertain Significance. Variants that disrupt the consensus splice site are a relatively common cause of aberrant splicing (PMID: 17576681, 9536098). Algorithms developed to predict the effect of sequence changes on RNA splicing suggest that this variant may disrupt the consensus splice site. This variant has not been reported in the literature in individuals affected with CEP164-related conditions. This variant is not present in population databases (gnomAD no frequency). This sequence change falls in intron 12 of the CEP164 gene. It does not directly change the encoded amino acid sequence of the CEP164 protein. It affects a nucleotide within the consensus splice site.

Literature cited by the submitters: PubMed 17576681; PubMed 9536098.